The following is an entry in ClinVar:

NM_020911.2(PLXNA4):c.322C>T (p.Leu108=)

Gene: PLXNA4 (plexin A4; minus strand). Cytogenetic location: 7q32.3.
Variant type: single nucleotide variant.
Coding change: c.322C>T on transcript NM_020911.2 (MANE Select); coding-DNA position 322, C replaced by T.
Protein change: p.Leu108=; no amino-acid change (leucine 108 retained).
Molecular consequence: synonymous variant.
Genome position (GRCh38, 1-based): chr7:132,508,372, G>A on the plus strand (C>T on the coding strand, the complement: PLXNA4 is on the minus strand). VCF-style: chr7-132508372-G-A. GRCh37 (hg19) VCF-style: chr7-132193131-G-A.
Other names: c.322C>T, p.Leu108= (NM_001105543.2, NM_001393897.1, NM_181775.4).
Identifiers: ClinVar variation 5000295 (VCV005000295.1).
Genomic context (GRCh38, chr7:132,508,372, plus strand): 5'-TCAGCCTGTTCTCCTTGTAGTCTATGAGGAGCATCTTGTTGACATTGTTGGTGGTGGTCA[G>A]GGGCTCATTGCAGGTCTGGACGATGCGGGGTGGGTAACACTTGGGGTTGTCCTCGTCCGG-3'
Protein context (NP_065962.1, residues 98-118): PRIVQTCNEP[Leu108=]TTTNNVNKML

ClinVar aggregate classification (germline): Likely benign (1 of 4 stars; one submission).

Conditions:
PLXNA4-related disorder. Also called: PLXNA4-related condition.

gnomAD v4.1: 3 of 1,614,206 alleles (0.00019%); highest among the groups gnomAD compares: Admixed American, 0.0017%; no homozygotes.

Submission:

PreventionGenetics, part of Exact Sciences
Classification: Likely benign for PLXNA4-related condition. Last evaluated: 2024-11-14. Review status: criteria provided, single submitter. Criteria: ACMG Guidelines, 2015. Collection method: clinical testing. Allele origin: germline.
Comment: This variant is classified as likely benign based on ACMG/AMP sequence variant interpretation guidelines (Richards et al. 2015 PMID: 25741868, with internal and published modifications).